The following is an entry in ClinVar:

ClinVar aggregate classification (germline): Uncertain significance (1 of 4 stars; one submission).

Submission:

Dasa
Classification: Uncertain significance. Last evaluated: 2026-01-19. Review status: criteria provided, single submitter. Criteria: DASA Assertion Criteria. Collection method: clinical testing. Allele origin: germline.
Comment: NM_015076.5(CDK19):c.1231G>C (p.Gly411Arg) is a missense variant that results in the substitution of glycine with arginine. This variant is rare in population databases. Computational prediction algorithms are consistent with a benign effect. The currently available literature and clinical evidence are not sufficient to establish a definitive association between this variant and the reported condition. Therefore, this variant is classified as a variant of uncertain significance.

NM_015076.5(CDK19):c.1231G>C (p.Gly411Arg)

Gene: CDK19 (cyclin dependent kinase 19; minus strand). Cytogenetic location: 6q21.
Variant type: single nucleotide variant.
Coding change: c.1231G>C on transcript NM_015076.5 (MANE Select); coding-DNA position 1231, G replaced by C.
Protein change: p.Gly411Arg; replaces glycine 411 with arginine.
Molecular consequence: missense variant.
Genome position (GRCh38, 1-based): chr6:110,621,250, C>G on the plus strand (G>C on the coding strand, the complement: CDK19 is on the minus strand). VCF-style: chr6-110621250-C-G. GRCh37 (hg19) VCF-style: chr6-110942453-C-G.
Other names: c.1099G>C, p.Gly367Arg (NM_001300960.2); c.1051G>C, p.Gly351Arg (NM_001300963.2, NM_001300964.2); short protein forms G351R, G367R, G411R.
Identifiers: ClinVar variation 4881191 (VCV004881191.2).